The following is an entry in ClinVar:

NM_002778.4(PSAP):c.1574A>G (p.Ter525Trp)

Gene: PSAP (prosaposin; minus strand). Cytogenetic location: 10q22.1.
Variant type: single nucleotide variant.
Coding change: c.1574A>G on transcript NM_002778.4 (MANE Select); coding-DNA position 1574, A replaced by G.
Protein change: p.Ter525Trp.
Molecular consequence: stop lost.
Genome position (GRCh38, 1-based): chr10:71,817,442, T>C on the plus strand (A>G on the coding strand, the complement: PSAP is on the minus strand). VCF-style: chr10-71817442-T-C. GRCh37 (hg19) VCF-style: chr10-73577199-T-C.
Other names: c.1583A>G, p.Ter528Trp (NM_001042465.3); c.1580A>G, p.Ter527Trp (NM_001042466.3).
Identifiers: ClinVar variation 4815078 (VCV004815078.1).

ClinVar aggregate classification (germline): Likely pathogenic (1 of 4 stars; one submission).

Conditions:
Metachromatic leukodystrophy (MLD). Also called: Cerebral sclerosis diffuse metachromatic form; Arylsulfatase A Deficiency; ARSA DEFICIENCY; CEREBROSIDE SULFATASE DEFICIENCY; METACHROMATIC LEUKOENCEPHALOPATHY; SULFATIDE LIPIDOSIS. Identifiers: Orphanet 512, MedGen C0023522, MONDO:0018868, OMIM 250100.

gnomAD v4.1: 17 of 1,613,976 alleles (0.0011%); highest among the groups gnomAD compares: Non-Finnish European, 0.0014%; no homozygotes.

Submission:

Natera, Inc.
Classification: Likely pathogenic for Metachromatic leukodystrophy. Last evaluated: 2025-11-12. Review status: criteria provided, single submitter. Criteria: Natera Variant Classification Schema (03/2026). Collection method: clinical testing. Allele origin: germline.
Comment: The c.1574A>G variant in PSAP is a stop-loss variant predicted to disrupt the normal termination codon and extend translation beyond the canonical stop site. This variant is rare in the general population with a frequency below the threshold expected for the associated phenotype(s). Given the available evidence, this variant is classified as Likely Pathogenic.